The following is an entry in ClinVar:

NM_000277.3(PAH):c.399T>C (p.Asn133=)

Gene: PAH (phenylalanine hydroxylase; minus strand). Cytogenetic location: 12q23.2.
Variant type: single nucleotide variant.
Coding change: c.399T>C on transcript NM_000277.3 (MANE Select); coding-DNA position 399, T replaced by C.
Protein change: p.Asn133=; no amino-acid change (asparagine 133 retained).
Molecular consequence: synonymous variant.
Genome position (GRCh38, 1-based): chr12:102,877,504, A>G on the plus strand (T>C on the coding strand, the complement: PAH is on the minus strand). VCF-style: chr12-102877504-A-G. GRCh37 (hg19) VCF-style: chr12-103271282-A-G.
Other names: c.399T>C, p.Asn133= (NM_001354304.2).
Identifiers: ClinVar variation 729975 (VCV000729975.19), dbSNP rs145692106, ClinGen allele CA6748962.
Genomic context (GRCh38, chr12:102,877,504, plus strand): 5'-TACGGGCCATGGACTCACAGGGTGGTCAGCATCCAGTTCCGCTCCATAGCTGAGAATCTG[A>G]TTGGCAAATCTGTCCAGCTCTTGAATGGTTCTTGGGAACCAGGGCACTGAAACACAGAGA-3'
Protein context (NP_000268.1, residues 123-143): RTIQELDRFA[Asn133=]QILSYGAELD

ClinVar aggregate classification (germline): Benign. Review status: reviewed by expert panel (3 of 4 stars). 6 submissions from 6 submitters: Benign (1). 5 of the submissions do not count toward it. Last evaluated 2021-07-25.

Conditions:
Inborn genetic diseases. Identifiers: MedGen C0950123, MeSH D030342.
Phenylketonuria (PKU). Also called: Phenylketonuria (PKU); Phenylketonurias; FOLLING DISEASE; OLIGOPHRENIA PHENYLPYRUVICA. Identifiers: Orphanet 716, MedGen C0031485, MONDO:0009861, OMIM 261600. Disease mechanism: loss of function.

Allele frequency attached by ClinVar (database versions not stated): TOPMed 0.00018; gnomAD 0.00019; gnomAD exomes 0.00031 and 0.00014; ExAC 0.00030; ESP Exome Variant Server 0.00015.
gnomAD v4.1: 253 of 1,614,020 alleles (0.016%); highest among the groups gnomAD compares: South Asian, 0.0055%; 2 homozygotes.

Submissions (6):

ClinGen PAH Variant Curation Expert Panel
Classification: Benign for Phenylketonuria. Last evaluated: 2021-07-25. Review status: reviewed by expert panel. Criteria: ClinGen PAH ACMG Specifications v1. Collection method: curation. Allele origin: germline. Inheritance: Autosomal recessive inheritance.
Comment: The c.399T>C (p.Asn387=) variant in PAH meets criteria to be classified as benign. PAH-specific ACMG/AMP criteria applied: BS1: MAF = 0.00675 which is within the threshold for this expert group. BS7: HSF, Splice AI and TraP predict no significant impact on splicing signals.BS2: Observed in two healthy homozygotes in gnomAd and ExAc.

Labcorp Genetics (formerly Invitae), Labcorp
Classification: Likely benign for Phenylketonuria. Last evaluated: 2026-01-19. Review status: criteria provided, single submitter. Criteria: Invitae Variant Classification Sherloc (09022015). Collection method: clinical testing. Allele origin: germline. Not counted in ClinVar's aggregate classification.

Blueprint Genetics
Classification: Likely benign. Last evaluated: 2024-10-25. Review status: criteria provided, single submitter. Criteria: ACMG Guidelines, 2015. Collection method: clinical testing. Allele origin: germline. Not counted in ClinVar's aggregate classification.

Ambry Genetics
Classification: Likely benign for Inborn genetic diseases. Last evaluated: 2023-04-07. Review status: criteria provided, single submitter. Criteria: Ambry Variant Classification Scheme 2023. Collection method: clinical testing. Allele origin: germline. Not counted in ClinVar's aggregate classification.

Illumina Laboratory Services, Illumina
Classification: Uncertain significance for Phenylketonuria. Last evaluated: 2017-04-27. Review status: criteria provided, single submitter. Criteria: ICSL Variant Classification Criteria 13 December 2019. Collection method: clinical testing. Allele origin: germline. Not counted in ClinVar's aggregate classification.

Natera, Inc.
Classification: Likely benign for Phenylketonuria. Last evaluated: 2020-09-16. Review status: no assertion criteria provided. Collection method: clinical testing. Allele origin: germline. Not counted in ClinVar's aggregate classification.